The following is an entry in ClinVar:

NM_005482.3(PIGK):c.807T>A (p.Asn269Lys)

Gene: PIGK (phosphatidylinositol glycan anchor biosynthesis class K; minus strand). Cytogenetic location: 1p31.1.
Variant type: single nucleotide variant.
Coding change: c.807T>A on transcript NM_005482.3 (MANE Select); coding-DNA position 807, T replaced by A.
Protein change: p.Asn269Lys; replaces asparagine 269 with lysine.
Molecular consequence: missense variant.
Genome position (GRCh38, 1-based): chr1:77,161,301, A>T on the plus strand (T>A on the coding strand, the complement: PIGK is on the minus strand). VCF-style: chr1-77161301-A-T. GRCh37 (hg19) VCF-style: chr1-77626986-A-T.
Other names: short protein forms N269K.
Identifiers: ClinVar variation 4755816 (VCV004755816.1).
Genomic context (GRCh38, chr1:77,161,301, plus strand): 5'-TCACATTAAGGTTAGCATACCTATGTGCTATAATCAAATCAAGTGAATACTTACAAGGTC[A>T]TTCATATTAGTTTGGCTAGCTGGGTTAATTTCTTCCAAAAATTCCAAGACATAAAATGTG-3'
Protein context (NP_005473.1, residues 259-279): EINPASQTNM[Asn269Lys]DLFQVCPKSL

ClinVar aggregate classification (germline): Uncertain significance (1 of 4 stars; one submission).

gnomAD v4.1: 9 of 1,452,644 alleles (0.00062%); highest among the groups gnomAD compares: Admixed American, 0.015%; no homozygotes.

Submission:

GeneDx
Classification: Uncertain significance. Last evaluated: 2025-08-03. Review status: criteria provided, single submitter. Criteria: GeneDx Variant Classification Process June 2021. Collection method: clinical testing. Allele origin: germline. Affected: yes.
Comment: In silico analysis suggests that this missense variant does not alter protein structure/function; Has not been previously published as pathogenic or benign to our knowledge